The following is an entry in ClinVar:

ClinVar aggregate classification (germline): Pathogenic/Likely pathogenic. Review status: criteria provided, multiple submitters, no conflicts (2 of 4 stars). 2 submissions from 2 submitters: Pathogenic (1); Likely pathogenic (1). Last evaluated 2023-11-05.

Conditions:
Curry-Hall syndrome (WAD). Also called: WEYERS ACRODENTAL DYSOSTOSIS. Identifiers: Orphanet 952, MedGen C0457013, MONDO:0008673, OMIM 193530.
Ellis-van Creveld syndrome (EVC). Also called: Chondroectodermal dysplasia; EVC-Related Ellis-van Creveld Syndrome; EVC2-Related Ellis-van Creveld Syndrome; MESOECTODERMAL DYSPLASIA. Identifiers: Orphanet 289, MedGen C0013903, MONDO:0009162, OMIM 225500.

Allele frequency attached by ClinVar (database versions not stated): TOPMed below 0.00001.
gnomAD v4.1: 15 of 1,614,054 alleles (0.00093%); highest among the groups gnomAD compares: Non-Finnish European, 0.0012%; no homozygotes.

Submissions (2):

Labcorp Genetics (formerly Invitae), Labcorp
Classification: Pathogenic for Curry-Hall syndrome; Ellis-van Creveld syndrome. Last evaluated: 2023-11-05. Review status: criteria provided, single submitter. Criteria: Invitae Variant Classification Sherloc (09022015). Collection method: clinical testing. Allele origin: germline.
Comment: This sequence change creates a premature translational stop signal (p.Gln790*) in the EVC2 gene. It is expected to result in an absent or disrupted protein product. Loss-of-function variants in EVC2 are known to be pathogenic (PMID: 17024374, 19810119, 19876929). This variant is not present in population databases (gnomAD no frequency). This variant has not been reported in the literature in individuals affected with EVC2-related conditions. ClinVar contains an entry for this variant (Variation ID: 658689). For these reasons, this variant has been classified as Pathogenic.

Fulgent Genetics
Classification: Likely pathogenic for Curry-Hall syndrome; Ellis-van Creveld syndrome. Last evaluated: 2021-08-17. Review status: criteria provided, single submitter. Criteria: ACMG Guidelines, 2015. Collection method: clinical testing. Allele origin: unknown.

Literature cited by the submitters: PubMed 17024374 (cited by Labcorp Genetics (formerly Invitae), Labcorp); PubMed 19810119 (cited by Labcorp Genetics (formerly Invitae), Labcorp); PubMed 19876929 (cited by Labcorp Genetics (formerly Invitae), Labcorp).

NM_147127.5(EVC2):c.2368C>T (p.Gln790Ter)

Gene: EVC2 (EvC ciliary complex subunit 2; minus strand). Cytogenetic location: 4p16.2.
Variant type: single nucleotide variant.
Coding change: c.2368C>T on transcript NM_147127.5 (MANE Select); coding-DNA position 2368, C replaced by T.
Protein change: p.Gln790Ter; replaces glutamine 790 with a stop codon.
Molecular consequence: nonsense.
Genome position (GRCh38, 1-based): chr4:5,622,670, G>A on the plus strand (C>T on the coding strand, the complement: EVC2 is on the minus strand). VCF-style: chr4-5622670-G-A. GRCh37 (hg19) VCF-style: chr4-5624397-G-A.
Other names: c.2128C>T, p.Gln710Ter (NM_001166136.2); short protein forms Q790*, Q710*.
Identifiers: ClinVar variation 658689 (VCV000658689.8), dbSNP rs1577170055, ClinGen allele CA356144588.